The following is an entry in ClinVar:

ClinVar aggregate classification (germline): Uncertain significance (1 of 4 stars; one submission).

Allele frequency attached by ClinVar (database versions not stated): gnomAD exomes below 0.00001.
gnomAD v4.1: 1 of 1,613,574 alleles (0.000062%); highest among the groups gnomAD compares: Non-Finnish European, 0.000085%; no homozygotes.

Submission:

Labcorp Genetics (formerly Invitae), Labcorp
Classification: Uncertain significance. Last evaluated: 2025-02-27. Review status: criteria provided, single submitter. Criteria: Invitae Variant Classification Sherloc (09022015). Collection method: clinical testing. Allele origin: germline.
Comment: This sequence change replaces aspartic acid, which is acidic and polar, with glycine, which is neutral and non-polar, at codon 216 of the ALPL protein (p.Asp216Gly). This variant is not present in population databases (gnomAD no frequency). This variant has not been reported in the literature in individuals affected with ALPL-related conditions. ClinVar contains an entry for this variant (Variation ID: 2795831). An algorithm developed to predict the effect of missense changes on protein structure and function (PolyPhen-2) suggests that this variant is likely to be tolerated. In summary, the available evidence is currently insufficient to determine the role of this variant in disease. Therefore, it has been classified as a Variant of Uncertain Significance.

NM_000478.6(ALPL):c.647A>G (p.Asp216Gly)

Gene: ALPL (alkaline phosphatase, biomineralization associated; plus strand). Cytogenetic location: 1p36.12.
Variant type: single nucleotide variant.
Coding change: c.647A>G on transcript NM_000478.6 (MANE Select); coding-DNA position 647, A replaced by G.
Protein change: p.Asp216Gly; replaces aspartic acid 216 with glycine.
Molecular consequence: missense variant.
Genome position (GRCh38, 1-based): chr1:21,564,215, A>G. VCF-style: chr1-21564215-A-G. GRCh37 (hg19) VCF-style: chr1-21890708-A-G.
Other names: c.482A>G, p.Asp161Gly (NM_001127501.4); c.416A>G, p.Asp139Gly (NM_001177520.3); c.647A>G, p.Asp216Gly (NM_001369803.2, NM_001369804.2, NM_001369805.2); short protein forms D161G, D139G, D216G.
Identifiers: ClinVar variation 2795831 (VCV002795831.3), dbSNP rs2545304635, ClinGen allele CA338878446.
Genomic context (GRCh38, chr1:21,564,215, plus strand): 5'-CCTTGAGCCAGGGCTGTAAGGACATCGCCTACCAGCTCATGCATAACATCAGGGACATTG[A>G]CGTGAGTGCTCGGGGGCAGCCGGGCAGGGACGGGGTGAGGCGGGGCCTCTGGTGGGCAGG-3'
Protein context (NP_000469.3, residues 206-226): YQLMHNIRDI[Asp216Gly]VIMGGGRKYM